The following continues an entry in ClinVar:

NM_000218.3(KCNQ1):c.1831G>A (p.Asp611Asn)

ClinVar aggregate classification (germline): Uncertain significance. Uncertain significance (1).

Submissions 8 to 18 of 18:

GeneDx
Classification: Uncertain significance. Last evaluated: 2024-01-24. Review status: criteria provided, single submitter. Criteria: GeneDx Variant Classification Process June 2021. Collection method: clinical testing. Allele origin: germline. Affected: yes. Not counted in ClinVar's aggregate classification.
Comment: Reported multiple times in association with LQTS or sudden cardiac arrest, though many publications lack patient-specific data (PMID: 19716085, 22727609, 25554238, 28749187, 30530868, 29884292); Reported in a Danish cohort screened for LQTS variants where QTc intervals in carriers were not statistically different compared with non-carriers (PMID: 26159999); In silico analysis supports that this missense variant does not alter protein structure/function; This variant is associated with the following publications: (PMID: 25637381, 22727609, 23861362, 28749187, 22378279, 19862833, 25554238, 29197658, 26633542, 25854863, 30530868, 29884292, 31019283, 32048431, 33614747, 19716085, 26159999, 27917693)

Dept of Medical Biology, Uskudar University
Classification: Uncertain significance for Long QT syndrome. Last evaluated: 2024-01-08. Review status: criteria provided, single submitter. Criteria: Dept of Medical Biology Variant Classification. Collection method: research. Allele origin: paternal. Affected: yes. Observed: 1 variant allele. Not counted in ClinVar's aggregate classification.
Comment: Criteria: PM2, PM5

Revvity Omics, Revvity
Classification: Uncertain significance. Last evaluated: 2023-10-20. Review status: criteria provided, single submitter. Criteria: ACMG Guidelines, 2015. Collection method: clinical testing. Allele origin: germline. Not counted in ClinVar's aggregate classification.

Women's Health and Genetics/Laboratory Corporation of America, LabCorp
Classification: Uncertain significance. Last evaluated: 2023-07-21. Review status: criteria provided, single submitter. Criteria: LabCorp Variant Classification Summary - May 2015. Collection method: clinical testing. Allele origin: germline. Not counted in ClinVar's aggregate classification.
Comment: Variant summary: KCNQ1 c.1831G>A (p.Asp611Asn) results in a conservative amino acid change located in the Potassium channel, voltage dependent, KCNQ, C-terminal (IPR013821) of the encoded protein sequence. Three of five in-silico tools predict a benign effect of the variant on protein function. The variant allele was found at a frequency of 7.2e-05 in 181208 control chromosomes (gnomAD). This frequency is not significantly higher than estimated for a pathogenic variant in KCNQ1 causing Long QT Syndrome (7.2e-05 vs 0.0001), allowing no conclusion about variant significance. c.1831G>A has been reported in the literature in individuals affected with Long QT Syndrome or related phenotypes (Kapplinger_2009, Thauvin-Robinet_2019, Andrsova_2012, Tse_2021, Kwok_2018, Illikova_2015), although one publication found no significant difference in electrocardiogram results between a carrier and non-carriers of the variant (Ghouse_2015). These reports do not provide unequivocal conclusions about association of the variant with Long QT Syndrome. To our knowledge, no experimental evidence demonstrating an impact on protein function has been reported. The following publications have been ascertained in the context of this evaluation (PMID: 19716085, 26159999, 27917693, 31019283, 22727609, 33614747, 30530868, 25554238). Six submitters have cited clinical-significance assessments for this variant to ClinVar after 2014, and classified it as uncertain significance (n=5) or likely pathogenic (n=1). Based on the evidence outlined above, the variant was classified as uncertain significance.

Ambry Genetics
Classification: Uncertain significance for Cardiovascular phenotype. Last evaluated: 2022-10-11. Review status: criteria provided, single submitter. Criteria: Ambry Variant Classification Scheme 2023. Collection method: clinical testing. Allele origin: germline. Not counted in ClinVar's aggregate classification.

Equipe Genetique des Anomalies du Developpement, Université de Bourgogne
Classification: Likely pathogenic for Long QT syndrome 1. Last evaluated: 2018-11-21. Review status: criteria provided, single submitter. Criteria: ACMG Guidelines, 2015. Collection method: clinical testing. Allele origin: unknown. Not counted in ClinVar's aggregate classification.

Laboratory for Molecular Medicine, Mass General Brigham Personalized Medicine
Classification: Uncertain significance. Last evaluated: 2018-02-10. Review status: criteria provided, single submitter. Criteria: LMM Criteria. Collection method: clinical testing. Allele origin: germline. Observed: 1 variant allele. Not counted in ClinVar's aggregate classification.
Comment: The p.Asp611Asn variant in KCNQ1 has been reported in 3 individuals with Long QT syndrome (Andrsova 2012, Hedley 2009, Kapplinger 2009). It was also identified in 1 child with congenital profound hearing loss and a borderline QTc of 446 ms ec who had a second VUS in KCNQ1 in trans. The variant was found in the heterozy gous state in the child's unaffected mother (Wang 2017). In another study this variant was found in a heterozygous individual whose mean QTc interval was not s tatistically different than the mean QTc interval observed in 6061 Danish contro l individuals that were negative for the variant (Ghouse 2015). This variant ha s been identified in several populations by the Genome Aggregation Database with the highest allele frequency of 10/86082 European chromosomes (gnomAD; dbSNP rs147445322) and is reported in ClinVar (Variat ion ID: 67059) by several laboratories or studies. Although the variant has been seen in unaffected individuals and in the general population, we cannot rule ou t a causative role due to reduced penetrance and variable expressivity that has been noted in some long QT families. Computational prediction tools and conserva tion analysis do not provide strong support for or against an impact to the prot ein. In summary, due its presence in both affected and unaffected individuals, l imited familial segregation data, and its frequency in the general population, t he clinical significance of the p.Asp611Asn variant is uncertain. ACMG/AMP Crite ria applied: None.

Biesecker Lab/Clinical Genomics Section, National Institutes of Health
Classification: Likely benign for Long QT syndrome. Last evaluated: 2013-06-24. Review status: criteria provided, single submitter. Criteria: Ng et al. (Circ Cardiovasc Genet. 2013). Collection method: research. Allele origin: unknown. Observed: 1 variant allele. Study: ClinSeq. Not counted in ClinVar's aggregate classification.
Comment: The study set was not selected for affection status in relation to any cancer. Pathogenicity categories were based on literature curation. See Pubmed ID:23861362 for details.

Medical sequencing

PreventionGenetics, part of Exact Sciences
Classification: Uncertain significance for KCNQ1-related condition. Last evaluated: 2024-03-07. Review status: no assertion criteria provided. Collection method: clinical testing. Allele origin: germline. Not counted in ClinVar's aggregate classification.
Comment: The KCNQ1 c.1831G>A variant is predicted to result in the amino acid substitution p.Asp611Asn. This variant has been reported in individuals with long QT syndrome (Kapplinger et al. 2009. PubMed ID: 19716085; Hedley et al. 2009. PubMed ID: 19862833). Additionally, this variant has been reported compound heterozygous in a patient with severe hearing loss (Wang et al. 2016. PubMed ID: 27917693). One publication found no difference in QT intervals, syncopy, or morbidity in carriers versus non-carriers (Ghouse et al. 2015. PubMed ID: 26159999). This variant is reported in 0.010% of alleles in individuals of African, European (non-Finnish) and Latino descent in gnomAD. At this time, the clinical significance of this variant is uncertain due to the absence of conclusive functional and genetic evidence.

CSER _CC_NCGL, University of Washington
Classification: Uncertain significance for Long QT syndrome. Last evaluated: 2014-06-01. Review status: no assertion criteria provided. Collection method: research. Allele origin: germline. Inheritance: Autosomal dominant inheritance. Study: ESP 6500 variant annotation. Not counted in ClinVar's aggregate classification.
Comment: Variants classified for the Actionable exomic incidental findings in 6503 participants: challenges of variant classification manuscript

Cardiovascular Biomedical Research Unit, Royal Brompton & Harefield NHS Foundation Trust
No classification provided. Condition: Familial long QT syndrome. Review status: no classification provided. Collection method: literature only. Allele origin: germline. Not counted in ClinVar's aggregate classification.
Comment: This variant has been reported as associated with Long QT syndrome in the following publications (PMID:19716085;PMID:19862833;PMID:22378279). This is a literature report, and does not necessarily reflect the clinical interpretation of the Imperial College / Royal Brompton Cardiovascular Genetics laboratory.

Literature cited by the submitters: PubMed 19716085 (cited by 6 submitters); PubMed 22727609 (cited by 5 submitters); PubMed 23861362 (cited by 3 submitters); PubMed 26159999 (cited by 4 submitters); PubMed 27917693 (cited by 5 submitters); PubMed 25554238 (cited by Labcorp Genetics (formerly Invitae), Labcorp and Women's Health and Genetics/Laboratory Corporation of America, LabCorp); PubMed 30530868 (cited by Labcorp Genetics (formerly Invitae), Labcorp and Women's Health and Genetics/Laboratory Corporation of America, LabCorp); PubMed 33614747 (cited by All of Us Research Program, National Institutes of Health and Women's Health and Genetics/Laboratory Corporation of America, LabCorp); PubMed 31019283 (cited by Women's Health and Genetics/Laboratory Corporation of America, LabCorp); PubMed 22378279 (cited by Laboratory for Molecular Medicine, Mass General Brigham Personalized Medicine and Cardiovascular Biomedical Research Unit, Royal Brompton & Harefield NHS Foundation Trust); PubMed 19862833 (cited by Laboratory for Molecular Medicine, Mass General Brigham Personalized Medicine and Cardiovascular Biomedical Research Unit, Royal Brompton & Harefield NHS Foundation Trust); PubMed 22581653 (cited by Cardiovascular Biomedical Research Unit, Royal Brompton & Harefield NHS Foundation Trust).